The following is an entry in ClinVar:

ClinVar aggregate classification (germline): Likely benign (1 of 4 stars; one submission).

Submission:

CeGaT Center for Human Genetics Tuebingen
Classification: Likely benign. Last evaluated: 2026-07-01. Review status: criteria provided, single submitter. Criteria: CeGaT Center For Human Genetics Tuebingen Variant Classification Criteria Version 2. Collection method: clinical testing. Allele origin: germline. Affected: yes. Observed: 2 variant alleles.
Comment: AHNAK2: BP4, BP7

NM_138420.4(AHNAK2):c.2523A>G (p.Pro841=)

Gene: AHNAK2 (AHNAK nucleoprotein 2; minus strand). Cytogenetic location: 14q32.33.
Variant type: single nucleotide variant.
Coding change: c.2523A>G on transcript NM_138420.4 (MANE Select); coding-DNA position 2523, A replaced by G.
Protein change: p.Pro841=; no amino-acid change (proline 841 retained).
Molecular consequence: synonymous variant.
Genome position (GRCh38, 1-based): chr14:104,952,928, T>C on the plus strand (A>G on the coding strand, the complement: AHNAK2 is on the minus strand). VCF-style: chr14-104952928-T-C. GRCh37 (hg19) VCF-style: chr14-105419265-T-C.
Other names: c.2223A>G, p.Pro741= (NM_001350929.2).
Identifiers: ClinVar variation 4872278 (VCV004872278.2).